The following is an entry in ClinVar:

NM_000368.5(TSC1):c.409A>G (p.Ile137Val)

Gene: TSC1 (TSC complex subunit 1; minus strand). Cytogenetic location: 9q34.13.
Variant type: single nucleotide variant.
Coding change: c.409A>G on transcript NM_000368.5 (MANE Select); coding-DNA position 409, A replaced by G.
Protein change: p.Ile137Val; replaces isoleucine 137 with valine.
Molecular consequence: missense variant. On other transcripts: 5 prime UTR variant (5), non-coding transcript variant (5).
Genome position (GRCh38, 1-based): chr9:132,923,447, T>C on the plus strand (A>G on the coding strand, the complement: TSC1 is on the minus strand). VCF-style: chr9-132923447-T-C. GRCh37 (hg19) VCF-style: chr9-135798834-T-C.
Other names: c.409A>G, p.Ile137Val (NM_001162426.2, NM_001406592.1, NM_001406593.1 and 16 more transcripts); c.256A>G, p.Ile86Val (NM_001162427.2, NM_001406610.1, NM_001406611.1 and 2 more transcripts); c.46A>G, p.Ile16Val (NM_001362177.2, NM_001406614.1, NM_001406615.1 and 10 more transcripts); c.-469A>G (NM_001406626.1, NM_001406627.1, NM_001406628.1); c.-611A>G (NM_001406629.1); c.-685A>G (NM_001406630.1); short protein forms I86V, I137V, I16V.
Identifiers: ClinVar variation 3811216 (VCV003811216.1).
Genomic context (GRCh38, chr9:132,923,447, plus strand): 5'-TGTCAAAGAAATCAAGAAGATGCTGTTTCCCAGACTGTGGAATCATTGGTAGCATGGTTA[T>C]CAACACCAAGACGCCTGTTGTGAGGACAACGACGTCAGTGTCCATCTGCAGGAGAAAAGG-3'
Protein context (NP_000359.1, residues 127-147): VVLTTGVLVL[Ile137Val]TMLPMIPQSG

ClinVar aggregate classification (germline): Uncertain significance (1 of 4 stars; one submission).

Conditions:
Hereditary cancer-predisposing syndrome. Also called: Neoplastic Syndromes, Hereditary; Hereditary Cancer Syndrome; Tumor predisposition; Hereditary neoplastic syndrome. Identifiers: Orphanet 140162, MedGen C0027672, MeSH D009386, MONDO:0015356.

Submission:

Ambry Genetics
Classification: Uncertain significance for Hereditary cancer-predisposing syndrome. Last evaluated: 2025-01-15. Review status: criteria provided, single submitter. Criteria: Ambry Variant Classification Scheme 2023. Collection method: clinical testing. Allele origin: germline.
Comment: The p.I137V variant (also known as c.409A>G), located in coding exon 4 of the TSC1 gene, results from an A to G substitution at nucleotide position 409. The isoleucine at codon 137 is replaced by valine, an amino acid with highly similar properties. This amino acid position is conserved. In addition, the in silico prediction for this alteration is inconclusive. Based on the available evidence, the clinical significance of this variant remains unclear.